The following is an entry in ClinVar:

ClinVar aggregate classification (germline): Uncertain significance (1 of 4 stars; one submission).

Submission:

GeneDx
Classification: Uncertain significance. Last evaluated: 2024-06-28. Review status: criteria provided, single submitter. Criteria: GeneDx Variant Classification Process June 2021. Collection method: clinical testing. Allele origin: germline. Affected: yes.
Comment: Has not been previously published as pathogenic or benign to our knowledge; In silico analysis does not support a benign or deleterious effect of this variant on protein structure/function

NM_001372044.2(SHANK3):c.682C>G (p.Leu228Val)

Gene: SHANK3 (SH3 and multiple ankyrin repeat domains 3; plus strand). Cytogenetic location: 22q13.33.
Variant type: single nucleotide variant.
Coding change: c.682C>G on transcript NM_001372044.2 (MANE Select); coding-DNA position 682, C replaced by G.
Protein change: p.Leu228Val; replaces leucine 228 with valine.
Molecular consequence: missense variant.
Genome position (GRCh38, 1-based): chr22:50,678,777, C>G. VCF-style: chr22-50678777-C-G. GRCh37 (hg19) VCF-style: chr22-51117205-C-G.
Other names: c.457C>G (NM_033517.1); short protein forms L228V.
Identifiers: ClinVar variation 3393655 (VCV003393655.1).